The following is an entry in ClinVar:

ClinVar aggregate classification (germline): Benign (0 of 4 stars; one submission).

Conditions:
SCN7A-related disorder. Also called: SCN7A-related condition.

Allele frequency attached by ClinVar (database versions not stated): gnomAD exomes 0.09927; 1000 Genomes Project 0.10463; 1000 Genomes Project 30x 0.10634; ExAC 0.10662; gnomAD 0.10854; TOPMed 0.10866; ESP Exome Variant Server 0.11147.
gnomAD v4.1: 156,600 of 1,555,608 alleles (10%); highest among the groups gnomAD compares: Middle Eastern, 17%; 8,521 homozygotes.

Submission:

PreventionGenetics, part of Exact Sciences
Classification: Benign for SCN7A-related condition. Last evaluated: 2019-10-21. Review status: no assertion criteria provided. Collection method: clinical testing. Allele origin: germline.
Comment: This variant is classified as benign based on ACMG/AMP sequence variant interpretation guidelines (Richards et al. 2015 PMID: 25741868, with internal and published modifications).

NM_002976.4(SCN7A):c.*2A>C

Gene: SCN7A (sodium voltage-gated channel alpha subunit 7; minus strand). Cytogenetic location: 2q24.3.
Variant type: single nucleotide variant.
Coding change: c.*2A>C on transcript NM_002976.4 (MANE Select); 2 bases downstream of the stop codon, A replaced by C.
Molecular consequence: 3 prime UTR variant. On other transcripts: non-coding transcript variant (1).
Genome position (GRCh38, 1-based): chr2:166,405,578, T>G on the plus strand (A>C on the coding strand, the complement: SCN7A is on the minus strand). VCF-style: chr2-166405578-T-G. GRCh37 (hg19) VCF-style: chr2-167262088-T-G.
Identifiers: ClinVar variation 3056929 (VCV003056929.2), dbSNP rs16852112, ClinGen allele CA1944930.